The following is an entry in ClinVar:

ClinVar aggregate classification (germline): Pathogenic (1 of 4 stars; one submission).

Conditions:
Neurofibromatosis, type 1 (NF1). Also called: Peripheral type neurofibromatosis; VON RECKLINGHAUSEN DISEASE; Neurofibromatosis, type I; NEUROFIBROMATOSIS, TYPE I, SOMATIC. Identifiers: Orphanet 636, MedGen C0027831, MONDO:0018975, OMIM 162200. Disease mechanism: loss of function.

Submission:

Labcorp Genetics (formerly Invitae), Labcorp
Classification: Pathogenic for Neurofibromatosis, type 1. Last evaluated: 2024-03-03. Review status: criteria provided, single submitter. Criteria: Invitae Variant Classification Sherloc (09022015). Collection method: clinical testing. Allele origin: germline.
Comment: This sequence change creates a premature translational stop signal (p.Val1244Leufs*22) in the NF1 gene. It is expected to result in an absent or disrupted protein product. Loss-of-function variants in NF1 are known to be pathogenic (PMID: 10712197, 23913538). This variant is not present in population databases (gnomAD no frequency). This premature translational stop signal has been observed in individual(s) with neurofibromatosis type 1 (PMID: 34418705). For these reasons, this variant has been classified as Pathogenic.

Literature cited by the submitters: PubMed 10712197; PubMed 23913538; PubMed 34418705.

NM_001042492.3(NF1):c.3730del (p.Val1244fs)

Gene: NF1 (neurofibromin 1; plus strand). Cytogenetic location: 17q11.2.
Variant type: Deletion.
Coding change: c.3730del on transcript NM_001042492.3 (MANE Select); coding-DNA position 3730, one base deleted (G; older notation c.3730delG).
Protein change: p.Val1244fs; shifts the reading frame from valine 1244.
Molecular consequence: frameshift variant.
Genome position (GRCh38, 1-based): chr17:31,235,632, G deleted; the last of 2 consecutive G bases (chr17:31,235,631-31,235,632); deleting either gives the same sequence. VCF-style (leftmost placement, unchanged base first): chr17-31235630-TG-T. GRCh37 (hg19) VCF-style: chr17-29562648-TG-T.
Other names: c.3730delG, p.Val1244Leufs (NM_000267.4); short protein forms V1244fs.
Identifiers: ClinVar variation 3644258 (VCV003644258.2).